The following is an entry in ClinVar:

NM_152490.5(B3GALNT2):c.1034A>G (p.Glu345Gly)

Gene: B3GALNT2 (beta-1,3-N-acetylgalactosaminyltransferase 2; minus strand). Cytogenetic location: 1q42.3.
Variant type: single nucleotide variant.
Coding change: c.1034A>G on transcript NM_152490.5 (MANE Select); coding-DNA position 1034, A replaced by G.
Protein change: p.Glu345Gly; replaces glutamic acid 345 with glycine.
Molecular consequence: missense variant.
Genome position (GRCh38, 1-based): chr1:235,455,676, T>C on the plus strand (A>G on the coding strand, the complement: B3GALNT2 is on the minus strand). VCF-style: chr1-235455676-T-C. GRCh37 (hg19) VCF-style: chr1-235618988-T-C.
Other names: short protein forms E345G.
Identifiers: ClinVar variation 1914292 (VCV001914292.5), dbSNP rs2527155203, ClinGen allele CA344958280.

ClinVar aggregate classification (germline): Uncertain significance (1 of 4 stars; one submission).

Conditions:
Muscular dystrophy-dystroglycanopathy (congenital with brain and eye anomalies), type a, 11 (MDDGA11). Also called: Muscular dystrophy-dystroglycanopathy (congenital with brain and eye anomalies, type A, 11; Congenital muscular dystrophy-dystroglycanopathy with brain and eye anomalies, type A11; WALKER-WARBURG SYNDROME OR MUSCLE-EYE-BRAIN DISEASE, B3GALNT2-RELATED. Identifiers: Orphanet 588, Orphanet 899, MedGen C3554638, MONDO:0014071, OMIM 615181.

Submission:

Labcorp Genetics (formerly Invitae), Labcorp
Classification: Uncertain significance for Muscular dystrophy-dystroglycanopathy (congenital with brain and eye anomalies), type a, 11. Last evaluated: 2022-04-23. Review status: criteria provided, single submitter. Criteria: Invitae Variant Classification Sherloc (09022015). Collection method: clinical testing. Allele origin: germline.
Comment: This variant has not been reported in the literature in individuals affected with B3GALNT2-related conditions. This variant is not present in population databases (gnomAD no frequency). This sequence change replaces glutamic acid, which is acidic and polar, with glycine, which is neutral and non-polar, at codon 345 of the B3GALNT2 protein (p.Glu345Gly). Algorithms developed to predict the effect of missense changes on protein structure and function output the following: SIFT: "Tolerated"; PolyPhen-2: "Benign"; Align-GVGD: "Class C0". The glycine amino acid residue is found in multiple mammalian species, which suggests that this missense change does not adversely affect protein function. In summary, the available evidence is currently insufficient to determine the role of this variant in disease. Therefore, it has been classified as a Variant of Uncertain Significance.